The following is an entry in ClinVar:

ClinVar aggregate classification (germline): Pathogenic. Review status: reviewed by expert panel (3 of 4 stars). 2 submissions from 2 submitters: Pathogenic (1). 1 of the submissions does not count toward it. Last evaluated 2017-12-15.

Conditions:
Breast-ovarian cancer, familial, susceptibility to, 1 (BROVCA1). Also called: OVARIAN CANCER, SUSCEPTIBILITY TO; BRCA1 Hereditary Breast and Ovarian Cancer. Identifiers: Orphanet 145, MedGen C2676676, MONDO:0011450, OMIM 604370. Disease mechanism: loss of function.
Familial cancer of breast. Also called: Hereditary breast cancer; hereditary breast carcinoma; BREAST CANCER, FAMILIAL. Identifiers: Orphanet 227535, MedGen C0346153, MONDO:0016419, OMIM 114480. Disease mechanism: loss of function.

Submissions (2):

Evidence-based Network for the Interpretation of Germline Mutant Alleles (ENIGMA)
Classification: Pathogenic for Breast-ovarian cancer, familial, susceptibility to, 1. Last evaluated: 2017-12-15. Review status: reviewed by expert panel. Criteria: ENIGMA BRCA1/2 Classification Criteria (2017-06-29). Collection method: curation. Allele origin: germline. Study: ENIGMA.
Comment: Variant allele predicted to encode a truncated non-functional protein.

ClinVar Staff, National Center for Biotechnology Information (NCBI)
No classification provided. Condition: Familial cancer of breast. Review status: no classification provided. Collection method: literature only. Allele origin: germline. Affected: yes. Not counted in ClinVar's aggregate classification.

Literature cited by the submitters: PubMed 19499246 (cited by ClinVar Staff, National Center for Biotechnology Information (NCBI)).

NM_007294.4(BRCA1):c.1963dup (p.Tyr655fs)

Gene: BRCA1 (BRCA1 DNA repair associated; minus strand). Cytogenetic location: 17q21.31.
Variant type: Duplication.
Coding change: c.1963dup on transcript NM_007294.4 (MANE Select); coding-DNA position 1963, one base duplicated (T; older notation c.1963dupT).
Protein change: p.Tyr655fs; shifts the reading frame from tyrosine 655.
Molecular consequence: frameshift variant. On other transcripts: intron variant (137).
Genome position (GRCh38, 1-based): chr17:43,093,568, A duplicated on the plus strand (T on the coding strand, the reverse complement: BRCA1 is on the minus strand). VCF-style (leftmost placement, unchanged base first): chr17-43093567-T-TA. GRCh37 (hg19) VCF-style: chr17-41245584-T-TA.
Other names: c.1963dupT (NM_007294.3); c.1750dup, p.Tyr584fs (NM_001407571.1, NM_001407853.1, NM_001407894.1 and 9 more transcripts); c.1963dup, p.Tyr655fs (NM_001407581.1, NM_001407582.1, NM_001407583.1 and 30 more transcripts); c.1960dup, p.Tyr654fs (NM_001407587.1, NM_001407590.1, NM_001407591.1 and 22 more transcripts); c.1954dup, p.Tyr652fs (NM_001407646.1, NM_001407647.1); c.1840dup, p.Tyr614fs (NM_001407648.1, NM_001407664.1, NM_001407665.1 and 19 more transcripts); c.1837dup, p.Tyr613fs (NM_001407649.1, NM_001407670.1, NM_001407671.1 and 11 more transcripts); c.1885dup, p.Tyr629fs (NM_001407653.1, NM_001407654.1, NM_001407655.1 and 4 more transcripts); and 41 more; short protein forms Y608fs, Y655fs, Y359fs, Y544fs, Y567fs, Y588fs, Y607fs, Y652fs.
Identifiers: ClinVar variation 54420 (VCV000054420.3), dbSNP rs397508924, ClinGen allele CA327793.
Genomic context (GRCh38, chr17:43,093,567, plus strand): 5'-GCAGGTTCTTTACCTTCCATGAGTTGTAGGTTTCTGCTGTGCCTGACTGGCATTTGGTTG[T>TA]ACTTTTTTTTCTTTATCTCTTCACTGCTAGAACAACTATCAATTTGCAATTCAGTACAAT-3'